The following is an entry in ClinVar:

ClinVar aggregate classification (germline): Pathogenic/Likely pathogenic. Review status: criteria provided, multiple submitters, no conflicts (2 of 4 stars). 3 submissions from 3 submitters: Pathogenic (2); Likely pathogenic (1). Last evaluated 2022-11-16.

Conditions:
Familial thoracic aortic aneurysm and aortic dissection (TAAD). Also called: Thoracic aortic aneurysms and dissections. Identifiers: Orphanet 91387, MedGen C4707243, MONDO:0019625.
Marfan syndrome (MFS). Also called: FBN1-Related Marfan Syndrome; Marfan syndrome, classic; MARFAN SYNDROME, TYPE I; Marfan syndrome type 1; Marfan's syndrome. Identifiers: Orphanet 284963, Orphanet 558, MedGen C0024796, MONDO:0007947, OMIM 154700.

Submissions (3):

CHEO Genetics Diagnostic Laboratory, Children's Hospital of Eastern Ontario
Classification: Pathogenic for Familial thoracic aortic aneurysm and aortic dissection. Last evaluated: 2022-11-16. Review status: criteria provided, single submitter. Criteria: ACMG Guidelines, 2015. Collection method: clinical testing. Allele origin: germline.

Centre of Medical Genetics, University Hospital Muenster
Classification: Likely pathogenic. Last evaluated: 2022-11-08. Review status: criteria provided, single submitter. Criteria: ACMG Guidelines, 2015. Collection method: clinical testing. Allele origin: unknown. Affected: yes. Observed: 1 variant allele, 1 heterozygote.
Comment: ACMG categories: PM1,PM2,PP3,PP5,BP1

Laboratory for Molecular Medicine, Mass General Brigham Personalized Medicine
Classification: Pathogenic for Marfan syndrome. Last evaluated: 2011-06-03. Review status: criteria provided, single submitter. Criteria: LMM Criteria. Collection method: clinical testing. Allele origin: germline. Observed: 2 variant alleles.
Comment: The Cys1456Ser variant in FBN1 has been reported as a de novo variant in one ind ividual with suspected Marfan syndrome and was absent from 400 control chromosom es (Stheneur 2009). This variant affects a cysteine residue, which is a common f inding in individuals with Marfan syndrome (Schrijver 1999). Furthermore, this v ariant lies within a functionally important domain of FBN1, increasing the likel ihood that the change is responsible for the clinical features observed in this individual. Finally, cysteine (Cys) at amino acid 1456 is highly conserved acros s evolutionarily distant species, increasing the likelihood that the change woul d not be tolerated. Therefore, this variant is highly likely to be pathogenic.

Literature cited by the submitters: PubMed 19293843 (cited by Laboratory for Molecular Medicine, Mass General Brigham Personalized Medicine); PubMed 10486319 (cited by Laboratory for Molecular Medicine, Mass General Brigham Personalized Medicine).

NM_000138.5(FBN1):c.4367G>C (p.Cys1456Ser)

Gene: FBN1 (fibrillin 1; minus strand). Cytogenetic location: 15q21.1.
Variant type: single nucleotide variant.
Coding change: c.4367G>C on transcript NM_000138.5 (MANE Select); coding-DNA position 4367, G replaced by C.
Protein change: p.Cys1456Ser; replaces cysteine 1456 with serine.
Molecular consequence: missense variant.
Genome position (GRCh38, 1-based): chr15:48,470,726, C>G on the plus strand (G>C on the coding strand, the complement: FBN1 is on the minus strand). VCF-style: chr15-48470726-C-G. GRCh37 (hg19) VCF-style: chr15-48762923-C-G.
Other names: short protein forms C1456S.
Identifiers: ClinVar variation 42360 (VCV000042360.7), dbSNP rs397515805, ClinGen allele CA015012.